The following is an entry in ClinVar:

NM_032119.4(ADGRV1):c.16573G>A (p.Gly5525Arg)

Gene: ADGRV1 (adhesion G protein-coupled receptor V1; plus strand). Cytogenetic location: 5q14.3.
Variant type: single nucleotide variant.
Coding change: c.16573G>A on transcript NM_032119.4 (MANE Select); coding-DNA position 16573, G replaced by A.
Protein change: p.Gly5525Arg; replaces glycine 5525 with arginine.
Molecular consequence: missense variant. On other transcripts: non-coding transcript variant (1).
Genome position (GRCh38, 1-based): chr5:90,829,148, G>A. VCF-style: chr5-90829148-G-A. GRCh37 (hg19) VCF-style: chr5-90124965-G-A.
Other names: c.16573G>A (NM_032119.3); short protein forms G5525R.
Identifiers: ClinVar variation 1520508 (VCV001520508.9), dbSNP rs368860179, ClinGen allele CA122805777.

ClinVar aggregate classification (germline): Conflicting classifications of pathogenicity. Review status: criteria provided, conflicting classifications (1 of 4 stars). 4 submissions from 4 submitters: Uncertain significance (3); Likely benign (1). Last evaluated 2026-08-24.

Conditions:
ADGRV1-related disorder. Also called: ADGRV1-related condition; ADGRV1-related disorders.

Allele frequency attached by ClinVar (database versions not stated): gnomAD exomes 0.00001; gnomAD 0.00004; ESP Exome Variant Server 0.00008; TOPMed 0.00008.
gnomAD v4.1: 16 of 1,598,248 alleles (0.001%); highest among the groups gnomAD compares: African/African-American, 0.021%; no homozygotes.

Submissions (4):

PreventionGenetics, part of Exact Sciences
Classification: Uncertain significance for ADGRV1-related condition. Last evaluated: 2026-08-24. Review status: criteria provided, single submitter. Criteria: ACMG Guidelines, 2015. Collection method: clinical testing. Allele origin: germline.
Comment: The ADGRV1 c.16573G>A variant is predicted to result in the amino acid substitution p.Gly5525Arg. To our knowledge, this variant has not been reported in the literature. This variant is reported in 0.021% of alleles in individuals of African descent in gnomAD. At this time, the clinical significance of this variant is uncertain due to the absence of conclusive functional and genetic evidence.

Labcorp Genetics (formerly Invitae), Labcorp
Classification: Likely benign. Last evaluated: 2025-08-11. Review status: criteria provided, single submitter. Criteria: Invitae Variant Classification Sherloc (09022015). Collection method: clinical testing. Allele origin: germline.

Blueprint Genetics
Classification: Uncertain significance. Last evaluated: 2024-01-23. Review status: criteria provided, single submitter. Criteria: ACMG Guidelines, 2015. Collection method: clinical testing. Allele origin: germline.

Breakthrough Genomics
Classification: Uncertain significance. Review status: criteria provided, single submitter. Criteria: ACMG Guidelines, 2015. Collection method: not provided. Allele origin: germline. Inheritance: Autosomal recessive inheritance. Affected: yes.